The following is an entry in ClinVar:

NM_000548.5(TSC2):c.2189T>C (p.Val730Ala)

Gene: TSC2 (TSC complex subunit 2; plus strand). Cytogenetic location: 16p13.3.
Variant type: single nucleotide variant.
Coding change: c.2189T>C on transcript NM_000548.5 (MANE Select); coding-DNA position 2189, T replaced by C.
Protein change: p.Val730Ala; replaces valine 730 with alanine.
Molecular consequence: missense variant.
Genome position (GRCh38, 1-based): chr16:2,072,332, T>C. VCF-style: chr16-2072332-T-C. GRCh37 (hg19) VCF-style: chr16-2122333-T-C.
Other names: c.2189T>C, p.Val730Ala (NM_001077183.3, NM_001114382.3, NM_001363528.2 and 6 more transcripts); c.2078T>C, p.Val693Ala (NM_001318827.2, NM_001406670.1, NM_001406678.1); c.2042T>C, p.Val681Ala (NM_001318829.2, NM_001406675.1, NM_001406676.1 and 1 more transcripts); c.1589T>C, p.Val530Ala (NM_001318831.2, NM_001406686.1, NM_001406687.1 and 6 more transcripts); c.2222T>C, p.Val741Ala (NM_001318832.2); c.2279T>C, p.Val760Ala (NM_001406667.1, NM_001406668.1); c.2177T>C, p.Val726Ala (NM_001406671.1, NM_001406673.1); c.845T>C, p.Val282Ala (NM_001406689.1, NM_001406690.1, NM_001406691.1 and 6 more transcripts); and 3 more; short protein forms V196A, V730A, V760A, V741A, V282A, V576A, V681A, V693A.
Identifiers: ClinVar variation 2087204 (VCV002087204.5), dbSNP rs2543734450, ClinGen allele CA394275007.

ClinVar aggregate classification (germline): Uncertain significance. Review status: criteria provided, multiple submitters, no conflicts (2 of 4 stars). 2 submissions from 2 submitters: Uncertain significance (2). Last evaluated 2025-03-19.

Conditions:
Tuberous sclerosis 2 (TSC2). Identifiers: Orphanet 805, MedGen C1860707, MONDO:0013199, OMIM 613254.
Hereditary cancer-predisposing syndrome. Also called: Tumor predisposition; Neoplastic Syndromes, Hereditary; Hereditary neoplastic syndrome; Hereditary Cancer Syndrome. Identifiers: Orphanet 140162, MedGen C0027672, MeSH D009386, MONDO:0015356.

Submissions (2):

Ambry Genetics
Classification: Uncertain significance for Hereditary cancer-predisposing syndrome. Last evaluated: 2025-03-19. Review status: criteria provided, single submitter. Criteria: Ambry Variant Classification Scheme 2023. Collection method: clinical testing. Allele origin: germline.
Comment: The p.V730A variant (also known as c.2189T>C), located in coding exon 19 of the TSC2 gene, results from a T to C substitution at nucleotide position 2189. The valine at codon 730 is replaced by alanine, an amino acid with similar properties. This amino acid position is poorly conserved in available vertebrate species. In addition, the in silico prediction for this alteration is inconclusive. Based on the available evidence, the clinical significance of this variant remains unclear.

Labcorp Genetics (formerly Invitae), Labcorp
Classification: Uncertain significance for Tuberous sclerosis 2. Last evaluated: 2022-01-17. Review status: criteria provided, single submitter. Criteria: Invitae Variant Classification Sherloc (09022015). Collection method: clinical testing. Allele origin: germline.
Comment: In summary, the available evidence is currently insufficient to determine the role of this variant in disease. Therefore, it has been classified as a Variant of Uncertain Significance. Advanced modeling of protein sequence and biophysical properties (such as structural, functional, and spatial information, amino acid conservation, physicochemical variation, residue mobility, and thermodynamic stability) performed at Invitae indicates that this missense variant is not expected to disrupt TSC2 protein function. This variant has not been reported in the literature in individuals affected with TSC2-related conditions. This variant is not present in population databases (gnomAD no frequency). This sequence change replaces valine, which is neutral and non-polar, with alanine, which is neutral and non-polar, at codon 730 of the TSC2 protein (p.Val730Ala).